The following is an entry in ClinVar:

ClinVar aggregate classification (germline): Uncertain significance (1 of 4 stars; one submission).

gnomAD v4.1: 4 of 1,613,534 alleles (0.00025%); highest among the groups gnomAD compares: Admixed American, 0.005%; no homozygotes.

Submission:

Ambry Genetics
Classification: Uncertain significance. Last evaluated: 2025-02-08. Review status: criteria provided, single submitter. Criteria: Ambry Variant Classification Scheme 2023. Collection method: clinical testing. Allele origin: germline.
Comment: The p.P2186S variant (also known as c.6556C>T), located in coding exon 28 of the WNK2 gene, results from a C to T substitution at nucleotide position 6556. The proline at codon 2186 is replaced by serine, an amino acid with similar properties. This amino acid position is conserved. In addition, this alteration is predicted to be tolerated by in silico analysis. Based on the available evidence, the clinical significance of this variant remains unclear.

NM_006648.4(WNK2):c.6556C>T (p.Pro2186Ser)

Gene: WNK2 (WNK lysine deficient protein kinase 2; plus strand). Cytogenetic location: 9q22.31.
Variant type: single nucleotide variant.
Coding change: c.6556C>T on transcript NM_006648.4 (MANE Select); coding-DNA position 6556, C replaced by T.
Protein change: p.Pro2186Ser; replaces proline 2186 with serine.
Molecular consequence: missense variant.
Genome position (GRCh38, 1-based): chr9:93,317,559, C>T. VCF-style: chr9-93317559-C-T. GRCh37 (hg19) VCF-style: chr9-96079841-C-T.
Other names: c.6667C>T, p.Pro2223Ser (NM_001282394.3); short protein forms P2223S, P2186S.
Identifiers: ClinVar variation 3817031 (VCV003817031.1).